The following is an entry in ClinVar:

NM_001130987.2(DYSF):c.5988_5989del (p.Ser1997fs)

Gene: DYSF (dysferlin; plus strand). Cytogenetic location: 2p13.2.
Variant type: Microsatellite.
Coding change: c.5988_5989del on transcript NM_001130987.2 (MANE Select); coding-DNA positions 5988 to 5989, 2 bases deleted (GT; older notation c.5988_5989delGT).
Protein change: p.Ser1997fs; shifts the reading frame from serine 1997.
Molecular consequence: frameshift variant.
Genome position (GRCh38, 1-based): chr2:71,679,160-71,679,161, GT deleted; deleting any 2 consecutive bases within chr2:71,679,157-71,679,161 gives the same sequence; the c. name uses the placement nearest the transcript's 3' end. VCF-style (leftmost placement, unchanged base first): chr2-71679156-TTG-T. GRCh37 (hg19) VCF-style: chr2-71906286-TTG-T.
Other names: c.5967_5968del, p.Ser1990fs (NM_001130982.2); c.5937_5938del, p.Ser1980fs (NM_001130983.2); c.5895_5896del, p.Ser1966fs (NM_001130984.2); c.5925_5926del, p.Ser1976fs (NM_001130985.2); c.5832_5833del, p.Ser1945fs (NM_001130986.2); c.5871_5872del, p.Ser1958fs (NM_003494.4); c.5874_5875del, p.Ser1959fs (NM_001130455.2); c.5829_5830del, p.Ser1944fs (NM_001130976.2); and 5 more; short protein forms S1965fs, S1966fs, S1975fs, S1980fs, S1944fs, S1989fs, S1990fs, S1945fs.
Identifiers: ClinVar variation 2734221 (VCV002734221.3), dbSNP rs2546634298, ClinGen allele CA1139532925.

ClinVar aggregate classification (germline): Pathogenic (1 of 4 stars; one submission).

Conditions:
Neuromuscular disease caused by qualitative or quantitative defects of dysferlin. Also called: Qualitative or quantitative defects of dysferlin; Dysferlinopathy. Identifiers: Orphanet 207073, MedGen C2931687, MONDO:0016145.

Submission:

Labcorp Genetics (formerly Invitae), Labcorp
Classification: Pathogenic for Neuromuscular disease caused by qualitative or quantitative defects of dysferlin. Last evaluated: 2023-02-28. Review status: criteria provided, single submitter. Criteria: Invitae Variant Classification Sherloc (09022015). Collection method: clinical testing. Allele origin: germline.
Comment: For these reasons, this variant has been classified as Pathogenic. This premature translational stop signal has been observed in individual(s) with limb-girdle muscular dystrophy type 2B (PMID: 18853459, 19528035). This variant is not present in population databases (gnomAD no frequency). This sequence change creates a premature translational stop signal (p.Ser1958Profs*3) in the DYSF gene. It is expected to result in an absent or disrupted protein product. Loss-of-function variants in DYSF are known to be pathogenic (PMID: 17698709, 20301480).

Literature cited by the submitters: PubMed 18853459; PubMed 19528035; PubMed 17698709; PubMed 20301480.